The following is an entry in ClinVar:

NM_145207.3(AFG2A):c.1069G>T (p.Gly357Ter)

Gene: AFG2A (AAA ATPase AFG2A; plus strand). Cytogenetic location: 4q28.1.
Variant type: single nucleotide variant.
Coding change: c.1069G>T on transcript NM_145207.3 (MANE Select); coding-DNA position 1069, G replaced by T.
Protein change: p.Gly357Ter; replaces glycine 357 with a stop codon.
Molecular consequence: nonsense.
Genome position (GRCh38, 1-based): chr4:122,934,660, G>T. VCF-style: chr4-122934660-G-T. GRCh37 (hg19) VCF-style: chr4-123855815-G-T.
Other names: c.1066G>T, p.Gly356Ter (NM_001317799.2, NM_001345856.2); short protein forms G357*, G356*.
Identifiers: ClinVar variation 265608 (VCV000265608.5), dbSNP rs755744719, ClinGen allele CA3070359.

ClinVar aggregate classification (germline): Pathogenic/Likely pathogenic. Review status: criteria provided, multiple submitters, no conflicts (2 of 4 stars). 3 submissions from 3 submitters: Pathogenic (2); Likely pathogenic (1). Last evaluated 2025-02-24.

Conditions:
Microcephaly-intellectual disability-sensorineural hearing loss-epilepsy-abnormal muscle tone syndrome (NEDHSB). Also called: NEURODEVELOPMENTAL DISORDER WITH HEARING LOSS, SEIZURES, AND BRAIN ABNORMALITIES. Identifiers: Orphanet 457351, MedGen C4225276, MONDO:0014698, OMIM 616577.

Allele frequency attached by ClinVar (database versions not stated): TOPMed below 0.00001; ExAC 0.00001.
gnomAD v4.1: 1 of 1,609,770 alleles (0.000062%); highest among the groups gnomAD compares: Non-Finnish European, 0.000085%; no homozygotes.

Submissions (3):

Labcorp Genetics (formerly Invitae), Labcorp
Classification: Pathogenic for Microcephaly-intellectual disability-sensorineural hearing loss-epilepsy-abnormal muscle tone syndrome. Last evaluated: 2025-02-24. Review status: criteria provided, single submitter. Criteria: Invitae Variant Classification Sherloc (09022015). Collection method: clinical testing. Allele origin: germline.
Comment: This sequence change creates a premature translational stop signal (p.Gly357*) in the SPATA5 gene. It is expected to result in an absent or disrupted protein product. Loss-of-function variants in SPATA5 are known to be pathogenic (PMID: 26299366). This variant is present in population databases (rs755744719, gnomAD 0.0009%). This variant has not been reported in the literature in individuals affected with SPATA5-related conditions. ClinVar contains an entry for this variant (Variation ID: 265608). Algorithms developed to predict the effect of sequence changes on RNA splicing suggest that this variant may disrupt the consensus splice site. For these reasons, this variant has been classified as Pathogenic.

Fulgent Genetics
Classification: Likely pathogenic for Microcephaly-intellectual disability-sensorineural hearing loss-epilepsy-abnormal muscle tone syndrome. Last evaluated: 2022-01-06. Review status: criteria provided, single submitter. Criteria: ACMG Guidelines, 2015. Collection method: clinical testing. Allele origin: unknown.

GeneDx
Classification: Pathogenic. Last evaluated: 2016-06-13. Review status: criteria provided, single submitter. Criteria: GeneDx Variant Classification (06012015). Collection method: clinical testing. Allele origin: germline. Affected: yes.
Comment: The G357X variant in the SPATA5 gene has not been reported previously as a pathogenic variant nor as a benign variant, to our knowledge. This variant is predicted to cause loss of normal protein function either through protein truncation or nonsense-mediated mRNA decay. The G357X variant was not observed in approximately 6500 individuals of European and African American ancestry in the NHLBI Exome Sequencing Project, indicating it is not a common benign variant in these populations. We interpret G357X as a pathogenic variant.

Literature cited by the submitters: PubMed 26299366 (cited by Labcorp Genetics (formerly Invitae), Labcorp).